The following is an entry in ClinVar:

ClinVar aggregate classification (germline): Likely benign (0 of 4 stars; one submission).

Conditions:
ANKFY1-related disorder. Also called: ANKFY1-related condition.

Allele frequency attached by ClinVar (database versions not stated): TOPMed 0.00002; gnomAD 0.00003; gnomAD exomes 0.00003; ExAC 0.00004; 1000 Genomes Project 30x 0.00016; 1000 Genomes Project 0.00020.
gnomAD v4.1: 54 of 1,614,234 alleles (0.0033%); highest among the groups gnomAD compares: Middle Eastern, 0.12%; 1 homozygote.

Submission:

PreventionGenetics, part of Exact Sciences
Classification: Likely benign for ANKFY1-related condition. Last evaluated: 2020-11-30. Review status: no assertion criteria provided. Collection method: clinical testing. Allele origin: germline.
Comment: This variant is classified as likely benign based on ACMG/AMP sequence variant interpretation guidelines (Richards et al. 2015 PMID: 25741868, with internal and published modifications).

NM_001330063.2(ANKFY1):c.828T>C (p.Val276=)

Gene: ANKFY1 (ankyrin repeat and FYVE domain containing 1; minus strand). Cytogenetic location: 17p13.2.
Variant type: single nucleotide variant.
Coding change: c.828T>C on transcript NM_001330063.2 (MANE Select); coding-DNA position 828, T replaced by C.
Protein change: p.Val276=; no amino-acid change (valine 276 retained).
Molecular consequence: synonymous variant. On other transcripts: non-coding transcript variant (1).
Genome position (GRCh38, 1-based): chr17:4,206,391, A>G on the plus strand (T>C on the coding strand, the complement: ANKFY1 is on the minus strand). VCF-style: chr17-4206391-A-G. GRCh37 (hg19) VCF-style: chr17-4109686-A-G.
Other names: c.954T>C, p.Val318= (NM_001257999.3); c.828T>C, p.Val276= (NM_016376.5).
Identifiers: ClinVar variation 3054399 (VCV003054399.2), dbSNP rs374696750, ClinGen allele CA8301620.